The following is an entry in ClinVar:

NM_021620.4(PRDM13):c.656A>C (p.Gln219Pro)

Gene: PRDM13 (PR/SET domain 13; plus strand). Cytogenetic location: 6q16.2.
Variant type: single nucleotide variant.
Coding change: c.656A>C on transcript NM_021620.4 (MANE Select); coding-DNA position 656, A replaced by C.
Protein change: p.Gln219Pro; replaces glutamine 219 with proline.
Molecular consequence: missense variant.
Genome position (GRCh38, 1-based): chr6:99,613,291, A>C. VCF-style: chr6-99613291-A-C. GRCh37 (hg19) VCF-style: chr6-100061167-A-C.
Other names: short protein forms Q219P.
Identifiers: ClinVar variation 1038119 (VCV001038119.10), dbSNP rs1431436682, ClinGen allele CA365115863.

ClinVar aggregate classification (germline): Uncertain significance (1 of 4 stars; one submission).

Allele frequency attached by ClinVar (database versions not stated): gnomAD exomes below 0.00001 and 0.00001.
gnomAD v4.1: 2 of 1,583,152 alleles (0.00013%); highest among the groups gnomAD compares: Admixed American, 0.0035%; no homozygotes.

Submission:

Labcorp Genetics (formerly Invitae), Labcorp
Classification: Uncertain significance. Last evaluated: 2023-06-24. Review status: criteria provided, single submitter. Criteria: Invitae Variant Classification Sherloc (09022015). Collection method: clinical testing. Allele origin: germline.
Comment: This sequence change replaces glutamine, which is neutral and polar, with proline, which is neutral and non-polar, at codon 219 of the PRDM13 protein (p.Gln219Pro). This variant is present in population databases (no rsID available, gnomAD 0.003%). This variant has not been reported in the literature in individuals affected with PRDM13-related conditions. ClinVar contains an entry for this variant (Variation ID: 1038119). Algorithms developed to predict the effect of missense changes on protein structure and function output the following: SIFT: "Not Available"; PolyPhen-2: "Benign"; Align-GVGD: "Not Available". The proline amino acid residue is found in multiple mammalian species, which suggests that this missense change does not adversely affect protein function. In summary, the available evidence is currently insufficient to determine the role of this variant in disease. Therefore, it has been classified as a Variant of Uncertain Significance.